The following is an entry in ClinVar:

NM_004385.5(VCAN):c.9642G>A (p.Met3214Ile)

Genes: VCAN (versican; plus strand), VCAN-AS1 (VCAN antisense RNA 1; minus strand). Cytogenetic location: 5q14.3.
Variant type: single nucleotide variant.
Coding change: c.9642G>A on transcript NM_004385.5 (MANE Select); coding-DNA position 9642, G replaced by A.
Protein change: p.Met3214Ile; replaces methionine 3214 with isoleucine.
Molecular consequence: missense variant.
Genome position (GRCh38, 1-based): chr5:83,553,512, G>A. VCF-style: chr5-83553512-G-A. GRCh37 (hg19) VCF-style: chr5-82849331-G-A.
Other names: c.1419G>A, p.Met473Ile (NM_001126336.3); c.6681G>A, p.Met2227Ile (NM_001164097.2); c.4380G>A, p.Met1460Ile (NM_001164098.2); short protein forms M2227I, M3214I, M1460I, M473I.
Identifiers: ClinVar variation 1951644 (VCV001951644.5), dbSNP rs768022852, ClinGen allele CA3334053.

ClinVar aggregate classification (germline): Uncertain significance (1 of 4 stars; one submission).

Allele frequency attached by ClinVar (database versions not stated): gnomAD exomes below 0.00001; TOPMed below 0.00001; ExAC 0.00002.
gnomAD v4.1: 2 of 1,614,052 alleles (0.00012%); highest among the groups gnomAD compares: Non-Finnish European, 0.000085%; no homozygotes.

Submission:

Labcorp Genetics (formerly Invitae), Labcorp
Classification: Uncertain significance. Last evaluated: 2024-04-17. Review status: criteria provided, single submitter. Criteria: Invitae Variant Classification Sherloc (09022015). Collection method: clinical testing. Allele origin: germline.
Comment: This sequence change replaces methionine, which is neutral and non-polar, with isoleucine, which is neutral and non-polar, at codon 3214 of the VCAN protein (p.Met3214Ile). This variant is present in population databases (rs768022852, gnomAD 0.006%). This variant has not been reported in the literature in individuals affected with VCAN-related conditions. ClinVar contains an entry for this variant (Variation ID: 1951644). Algorithms developed to predict the effect of missense changes on protein structure and function output the following: SIFT: "Not Available"; PolyPhen-2: "Benign"; Align-GVGD: "Not Available". The isoleucine amino acid residue is found in multiple mammalian species, which suggests that this missense change does not adversely affect protein function. In summary, the available evidence is currently insufficient to determine the role of this variant in disease. Therefore, it has been classified as a Variant of Uncertain Significance.